The following is an entry in ClinVar:

NM_031885.5(BBS2):c.1986dup (p.Asn663Ter)

Gene: BBS2 (Bardet-Biedl syndrome 2; minus strand). Cytogenetic location: 16q13.
Variant type: Duplication.
Coding change: c.1986dup on transcript NM_031885.5 (MANE Select); coding-DNA position 1986, one base duplicated (T; older notation c.1986dupT).
Protein change: p.Asn663Ter; replaces asparagine 663 with a stop codon.
Molecular consequence: nonsense. On other transcripts: non-coding transcript variant (5).
Genome position (GRCh38, 1-based): chr16:56,485,663, A duplicated on the plus strand (T on the coding strand, the reverse complement: BBS2 is on the minus strand). VCF-style (leftmost placement, unchanged base first): chr16-56485662-T-TA. GRCh37 (hg19) VCF-style: chr16-56519574-T-TA.
Other names: c.1986dup, p.Asn663Ter (NM_001377456.1); short protein forms N663*.
Identifiers: ClinVar variation 943913 (VCV000943913.11), dbSNP rs1597001788, ClinGen allele CA919712891.
Genomic context (GRCh38, chr16:56,485,662, plus strand): 5'-CTGCTCTTTGAATTGCTTGATTTACTGCTTTGAGGTTTCCCAACAGCTCTGTGTGATTGT[T>TA]ACAGCGAATTTTATATCCATTTAGCAAGTCTCTATTAAGGTCATAGAGTTCCATATAACG-3'

ClinVar aggregate classification (germline): Pathogenic/Likely pathogenic. Review status: criteria provided, multiple submitters, no conflicts (2 of 4 stars). 4 submissions from 4 submitters: Pathogenic (1); Likely pathogenic (3). Last evaluated 2024-03-09.

Conditions:
BBS2-related disorder. Also called: BBS2-related disorders; BBS2-related condition. Identifiers: MedGen CN239228.
Bardet-Biedl syndrome 2 (BBS2). Identifiers: Orphanet 110, MedGen C2936863, MONDO:0014432, OMIM 615981.
Retinitis pigmentosa 74 (RP74). Identifiers: Orphanet 791, MedGen C4225281, MONDO:0014692, OMIM 616562.
Bardet-Biedl syndrome (BBS). Identifiers: Orphanet 110, MedGen C0752166, MONDO:0015229.

Allele frequency attached by ClinVar (database versions not stated): TOPMed below 0.00001; gnomAD 0.00001; gnomAD exomes 0.00001.

Submissions (4):

Baylor Genetics
Classification: Likely pathogenic for Bardet-Biedl syndrome 2. Last evaluated: 2024-03-09. Review status: criteria provided, single submitter. Criteria: ACMG Guidelines, 2015. Collection method: clinical testing. Allele origin: unknown.

Labcorp Genetics (formerly Invitae), Labcorp
Classification: Pathogenic for Bardet-Biedl syndrome. Last evaluated: 2024-01-14. Review status: criteria provided, single submitter. Criteria: Invitae Variant Classification Sherloc (09022015). Collection method: clinical testing. Allele origin: germline.
Comment: This sequence change creates a premature translational stop signal (p.Asn663*) in the BBS2 gene. It is expected to result in an absent or disrupted protein product. Loss-of-function variants in BBS2 are known to be pathogenic (PMID: 11285252, 20177705, 24608809, 26518167). This variant is not present in population databases (gnomAD no frequency). This variant has not been reported in the literature in individuals affected with BBS2-related conditions. ClinVar contains an entry for this variant (Variation ID: 943913). For these reasons, this variant has been classified as Pathogenic.

Fulgent Genetics
Classification: Likely pathogenic for Bardet-Biedl syndrome 2; Retinitis pigmentosa 74. Last evaluated: 2022-03-04. Review status: criteria provided, single submitter. Criteria: ACMG Guidelines, 2015. Collection method: clinical testing. Allele origin: unknown.

Blueprint Genetics
Classification: Likely pathogenic for BBS2-related disorders. Last evaluated: 2019-11-25. Review status: criteria provided, single submitter. Criteria: ACMG Guidelines, 2015. Collection method: clinical testing. Allele origin: germline. Affected: yes. Observed: 2 variant alleles.

Literature cited by the submitters: PubMed 11285252 (cited by Labcorp Genetics (formerly Invitae), Labcorp); PubMed 20177705 (cited by Labcorp Genetics (formerly Invitae), Labcorp); PubMed 24608809 (cited by Labcorp Genetics (formerly Invitae), Labcorp); PubMed 26518167 (cited by Labcorp Genetics (formerly Invitae), Labcorp).